The following is an entry in ClinVar:

NM_003332.4(TYROBP):c.145G>C (p.Gly49Arg)

Gene: TYROBP (transmembrane immune signaling adaptor TYROBP; minus strand). Cytogenetic location: 19q13.12.
Variant type: single nucleotide variant.
Coding change: c.145G>C on transcript NM_003332.4 (MANE Select); coding-DNA position 145, G replaced by C.
Protein change: p.Gly49Arg; replaces glycine 49 with arginine.
Molecular consequence: missense variant. On other transcripts: non-coding transcript variant (1).
Genome position (GRCh38, 1-based): chr19:35,907,530, C>G on the plus strand (G>C on the coding strand, the complement: TYROBP is on the minus strand). VCF-style: chr19-35907530-C-G. GRCh37 (hg19) VCF-style: chr19-36398432-C-G.
Other names: c.112G>C, p.Gly38Arg (NM_001173514.2, NM_001173515.2); c.145G>C, p.Gly49Arg (NM_198125.3); short protein forms G38R, G49R.
Identifiers: ClinVar variation 56396 (VCV000056396.3), dbSNP rs386833841, ClinGen allele CA263866.

ClinVar aggregate classification (germline): Uncertain significance. Review status: criteria provided, single submitter (1 of 4 stars). 2 submissions from 2 submitters: Uncertain significance (1). 1 of the submissions does not count toward it. Last evaluated 2023-12-14.

Conditions:
Polycystic lipomembranous osteodysplasia with sclerosing leukoencephalopathy 1 (PLOSL1). Also called: TYROBP-Related Polycystic Lipomembranous Osteodysplasia with Sclerosing Leukoencephalopathy; TREM2-Related Polycystic Lipomembranous Osteodysplasia with Sclerosing Leukoencephalopathy. Identifiers: Orphanet 2770, MedGen C4721893, MONDO:0020749, OMIM 221770.

Allele frequency attached by ClinVar (database versions not stated): gnomAD exomes below 0.00001.

Submissions (2):

GeneDx
Classification: Uncertain significance. Last evaluated: 2023-12-14. Review status: criteria provided, single submitter. Criteria: GeneDx Variant Classification Process June 2021. Collection method: clinical testing. Allele origin: germline. Affected: yes.
Comment: In silico analysis supports that this missense variant has a deleterious effect on protein structure/function; Not observed at significant frequency in large population cohorts (gnomAD); This variant is associated with the following publications: (PMID: 31589614, Baeta_Case Report_2002, 15883308)

Juha Muilu Group; Institute for Molecular Medicine Finland (FIMM)
Classification: Likely pathogenic for Polycystic lipomembranous osteodysplasia with sclerosing leukoencephalopathy. Review status: no assertion criteria provided. Collection method: not provided. Allele origin: unknown. Not counted in ClinVar's aggregate classification.
Comment: FinDis database variant: FinDis database variant: This variant was not found or characterized by our laboratory, data were collected from public sources: see reference
ClinVar note: Converted during submission from probable-pathogenic to Likely pathogenic.